The following is an entry in ClinVar:

NM_000388.4(CASR):c.1262A>G (p.Tyr421Cys)

Gene: CASR (calcium sensing receptor; plus strand). Cytogenetic location: 3q21.1.
Variant type: single nucleotide variant.
Coding change: c.1262A>G on transcript NM_000388.4 (MANE Select); coding-DNA position 1262, A replaced by G.
Protein change: p.Tyr421Cys; replaces tyrosine 421 with cysteine.
Molecular consequence: missense variant.
Genome position (GRCh38, 1-based): chr3:122,262,297, A>G. VCF-style: chr3-122262297-A-G. GRCh37 (hg19) VCF-style: chr3-121981144-A-G.
Other names: c.1262A>G, p.Tyr421Cys (NM_001178065.2); short protein forms Y421C.
Identifiers: ClinVar variation 1192265 (VCV001192265.1), dbSNP rs2107633181, ClinGen allele CA354152945.

ClinVar aggregate classification (germline): Uncertain significance (1 of 4 stars; one submission).

Submission:

Women's Health and Genetics/Laboratory Corporation of America, LabCorp
Classification: Uncertain significance. Last evaluated: 2021-07-16. Review status: criteria provided, single submitter. Criteria: LabCorp Variant Classification Summary - May 2015. Collection method: clinical testing. Allele origin: germline.
Comment: Variant summary: CASR c.1262A>G (p.Tyr421Cys) results in a non-conservative amino acid change located in the Receptor, ligand binding region domain (IPR001828) of the encoded protein sequence. Four of four in-silico tools predict a damaging effect of the variant on protein function. The variant was absent in 251392 control chromosomes. The available data on variant occurrences in the general population are insufficient to allow any conclusion about variant significance. To our knowledge, no occurrence of c.1262A>G in individuals affected with Familial Hypocalciuric Hypercalcemia and no experimental evidence demonstrating its impact on protein function have been reported. No clinical diagnostic laboratories have submitted clinical-significance assessments for this variant to ClinVar after 2014. Based on the evidence outlined above, the variant was classified as uncertain significance.